The following is an entry in ClinVar:

ClinVar aggregate classification (germline): Pathogenic (1 of 4 stars; one submission).

Conditions:
Polycystic kidney disease, adult type (PKD1). Also called: Polycystic Kidney, Autosomal Dominant; POLYCYSTIC KIDNEY DISEASE, ADULT, TYPE I; Polycystic Kidney Disease 1, Autosomal Dominant; Polycystic kidney disease 1; Polycystic kidney disease 1, severe; POLYCYSTIC KIDNEY DISEASE 1 WITH OR WITHOUT POLYCYSTIC LIVER DISEASE. Identifiers: MedGen C3149841, MONDO:0008263, OMIM 173900.

Submission:

Gemeinschaftspraxis fuer Humangenetik Dresden
Classification: Pathogenic for Polycystic kidney disease, adult type. Last evaluated: 2025-11-10. Review status: criteria provided, single submitter. Criteria: ACMG Guidelines, 2015. Collection method: clinical testing. Allele origin: germline. Inheritance: Autosomal dominant inheritance. Affected: yes.
Comment: This deletion is not reported in HGMD 2025.2, PKD Foundation Variant Database, gnomAD (v4.1.0), dbSNP (v156) or LOVD (we submitted there) so far. Due to the protein truncating character the variant is classified as pathogenic.

NM_001009944.3(PKD1):c.1050_1072del (p.Gln351fs)

Gene: PKD1 (polycystin 1, transient receptor potential channel interacting; minus strand). Cytogenetic location: 16p13.3.
Variant type: Deletion.
Coding change: c.1050_1072del on transcript NM_001009944.3 (MANE Select); coding-DNA positions 1050 to 1072, 23 bases deleted (GCAGGTGGAAGCGGCACCTGCCG).
Protein change: p.Gln351fs; shifts the reading frame from glutamine 351.
Molecular consequence: frameshift variant.
Genome position (GRCh38, 1-based): chr16:2,117,920-2,117,942, CGGCAGGTGCCGCTTCCACCTGC deleted on the plus strand (GCAGGTGGAAGCGGCACCTGCCG on the coding strand, the reverse complement: PKD1 is on the minus strand). VCF-style (leftmost placement, unchanged base first): chr16-2117919-GCGGCAGGTGCCGCTTCCACCTGC-G. GRCh37 (hg19) VCF-style: chr16-2167920-GCGGCAGGTGCCGCTTCCACCTGC-G.
Other names: c.1050_1072del, p.Gln351fs (NM_000296.4); short protein forms Q351fs.
Identifiers: ClinVar variation 4526914 (VCV004526914.1).